The following is an entry in ClinVar:

ClinVar aggregate classification (germline): Benign (0 of 4 stars; one submission).

Conditions:
KATNAL2-related disorder. Also called: KATNAL2-related condition.

Submission:

PreventionGenetics, part of Exact Sciences
Classification: Benign for KATNAL2-related condition. Last evaluated: 2019-09-09. Review status: no assertion criteria provided. Collection method: clinical testing. Allele origin: germline.
Comment: This variant is classified as benign based on ACMG/AMP sequence variant interpretation guidelines (Richards et al. 2015 PMID: 25741868, with internal and published modifications).

NM_001387690.1(KATNAL2):c.1212-956_1212-954del

Gene: KATNAL2 (katanin catalytic subunit A1 like 2; plus strand). Cytogenetic location: 18q21.1.
Variant type: Microsatellite.
Coding change: c.1212-956_1212-954del on transcript NM_001387690.1 (MANE Select); 956 bases into the intron before coding-DNA position 1212 through 954 bases into the intron before coding-DNA position 1212, 3 bases deleted (GAA; older notation c.1212-956_1212-954delGAA).
Molecular consequence: intron variant. On other transcripts: 3 prime UTR variant (2), non-coding transcript variant (1).
Genome position (GRCh38, 1-based): chr18:47,098,287-47,098,289, GAA deleted; deleting any 3 consecutive bases within chr18:47,098,284-47,098,289 gives the same sequence; the c. name uses the placement nearest the transcript's 3' end. VCF-style (leftmost placement, unchanged base first): chr18-47098283-GGAA-G. GRCh37 (hg19) VCF-style: chr18-44624654-GGAA-G.
Other names: c.1323GAA[1], p.Lys445del (NM_001353901.1); c.1302GAA[1], p.Lys438del (NM_001353902.1); c.990GAA[1], p.Lys334del (NM_001353905.1, NM_001353906.1); c.*19GAA[1] (NM_001353907.1); c.891GAA[1], p.Lys301del (NM_001353908.1); c.*159GAA[1] (NM_001353909.1); c.780-956_780-954del (NM_001353904.1); c.1290-956_1290-954del (NM_001353899.1); and 5 more; short protein forms K301del, K334del, K438del, K445del.
Identifiers: ClinVar variation 3037293 (VCV003037293.2), dbSNP rs145956232, ClinGen allele CA8955274.